The following is an entry in ClinVar:

NM_001283009.2(RTEL1):c.1759C>T (p.Pro587Ser)

Genes: RTEL1 (regulator of telomere elongation helicase 1; plus strand), RTEL1-TNFRSF6B (RTEL1-TNFRSF6B readthrough (NMD candidate); plus strand). Cytogenetic location: 20q13.33.
Variant type: single nucleotide variant.
Coding change: c.1759C>T on transcript NM_001283009.2 (MANE Select); coding-DNA position 1759, C replaced by T.
Protein change: p.Pro587Ser; replaces proline 587 with serine.
Molecular consequence: missense variant. On other transcripts: non-coding transcript variant (1).
Genome position (GRCh38, 1-based): chr20:63,688,564, C>T. VCF-style: chr20-63688564-C-T. GRCh37 (hg19) VCF-style: chr20-62319917-C-T.
Other names: c.1090C>T, p.Pro364Ser (NM_001283010.1); c.1759C>T, p.Pro587Ser (NM_016434.4); c.1831C>T, p.Pro611Ser (NM_032957.5); short protein forms P587S, P364S, P611S.
Identifiers: ClinVar variation 3948339 (VCV003948339.1).

ClinVar aggregate classification (germline): Uncertain significance (1 of 4 stars; one submission).

Conditions:
Inborn genetic diseases. Identifiers: MedGen C0950123, MeSH D030342.

Submission:

Ambry Genetics
Classification: Uncertain significance for Inborn genetic diseases. Last evaluated: 2025-04-18. Review status: criteria provided, single submitter. Criteria: Ambry Variant Classification Scheme 2023. Collection method: clinical testing. Allele origin: germline.
Comment: The p.P587S variant (also known as c.1759C>T), located in coding exon 20 of the RTEL1 gene, results from a C to T substitution at nucleotide position 1759. The proline at codon 587 is replaced by serine, an amino acid with similar properties. This amino acid position is conserved. In addition, the in silico prediction for this alteration is inconclusive. Based on the available evidence, the clinical significance of this variant remains unclear.